The following is an entry in ClinVar:

NM_001903.5(CTNNA1):c.1897A>T (p.Arg633Trp)

Gene: CTNNA1 (catenin alpha 1; plus strand). Cytogenetic location: 5q31.2.
Variant type: single nucleotide variant.
Coding change: c.1897A>T on transcript NM_001903.5 (MANE Select); coding-DNA position 1897, A replaced by T.
Protein change: p.Arg633Trp; replaces arginine 633 with tryptophan.
Molecular consequence: missense variant.
Genome position (GRCh38, 1-based): chr5:138,925,405, A>T. VCF-style: chr5-138925405-A-T. GRCh37 (hg19) VCF-style: chr5-138261094-A-T.
Other names: c.787A>T, p.Arg263Trp (NM_001323987.1, NM_001323988.1, NM_001323989.1 and 17 more transcripts); c.1897A>T, p.Arg633Trp (NM_001290307.3, NM_001323982.2, NM_001323983.1 and 2 more transcripts); c.1588A>T, p.Arg530Trp (NM_001290309.3); c.1528A>T, p.Arg510Trp (NM_001290310.3); c.1804A>T, p.Arg602Trp (NM_001323986.2); c.448A>T, p.Arg150Trp (NM_001324006.1, NM_001324007.1, NM_001324008.1 and 2 more transcripts); c.694A>T, p.Arg232Trp (NM_001324011.1); c.544A>T, p.Arg182Trp (NM_001324012.1, NM_001324013.1); short protein forms R150W, R182W, R232W, R263W, R510W, R530W, R602W, R633W.
Identifiers: ClinVar variation 4869470 (VCV004869470.1).

ClinVar aggregate classification (germline): Uncertain significance (1 of 4 stars; one submission).

Conditions:
Hereditary cancer-predisposing syndrome. Also called: Neoplastic Syndromes, Hereditary; Tumor predisposition; Hereditary Cancer Syndrome; Hereditary neoplastic syndrome. Identifiers: Orphanet 140162, MedGen C0027672, MeSH D009386, MONDO:0015356.

Submission:

Ambry Genetics
Classification: Uncertain significance for Hereditary cancer-predisposing syndrome. Last evaluated: 2026-04-11. Review status: criteria provided, single submitter. Criteria: Ambry Variant Classification Scheme 2023. Collection method: clinical testing. Allele origin: germline.
Comment: The p.R633W variant (also known as c.1897A>T), located in coding exon 12 of the CTNNA1 gene, results from an A to T substitution at nucleotide position 1897. The arginine at codon 633 is replaced by tryptophan, an amino acid with dissimilar properties. This amino acid position is conserved. In addition, this alteration is predicted to be deleterious by in silico analysis. Based on the available evidence, the clinical significance of this variant remains unclear.